The following is an entry in ClinVar:

NM_003922.4(HERC1):c.1789G>A (p.Gly597Ser)

Gene: HERC1 (HECT and RLD domain containing E3 ubiquitin protein ligase family member 1; minus strand). Cytogenetic location: 15q22.31.
Variant type: single nucleotide variant.
Coding change: c.1789G>A on transcript NM_003922.4 (MANE Select); coding-DNA position 1789, G replaced by A.
Protein change: p.Gly597Ser; replaces glycine 597 with serine.
Molecular consequence: missense variant.
Genome position (GRCh38, 1-based): chr15:63,753,071, C>T on the plus strand (G>A on the coding strand, the complement: HERC1 is on the minus strand). VCF-style: chr15-63753071-C-T. GRCh37 (hg19) VCF-style: chr15-64045270-C-T.
Other names: short protein forms G597S.
Identifiers: ClinVar variation 3361022 (VCV003361022.1).

ClinVar aggregate classification (germline): Uncertain significance (1 of 4 stars; one submission).

Submission:

GeneDx
Classification: Uncertain significance. Last evaluated: 2023-07-17. Review status: criteria provided, single submitter. Criteria: GeneDx Variant Classification Process June 2021. Collection method: clinical testing. Allele origin: germline. Affected: yes.
Comment: Not observed at significant frequency in large population cohorts (gnomAD); In silico analysis supports that this missense variant has a deleterious effect on protein structure/function; Has not been previously published as pathogenic or benign to our knowledge